The following is an entry in ClinVar:

ClinVar aggregate classification (germline): Uncertain significance. Review status: criteria provided, multiple submitters, no conflicts (2 of 4 stars). 3 submissions from 3 submitters: Uncertain significance (3). Last evaluated 2025-12-22.

Submissions (3):

GeneDx
Classification: Uncertain significance. Last evaluated: 2025-12-22. Review status: criteria provided, single submitter. Criteria: GeneDx Variant Classification Process June 2021. Collection method: clinical testing. Allele origin: germline.
Comment: In-frame deletion of 5 amino acid(s) in a non-repeat region; In silico analysis supports a deleterious effect on protein structure/function; Has not been previously published as pathogenic or benign to our knowledge

Labcorp Genetics (formerly Invitae), Labcorp
Classification: Uncertain significance. Last evaluated: 2024-11-28. Review status: criteria provided, single submitter. Criteria: Invitae Variant Classification Sherloc (09022015). Collection method: clinical testing. Allele origin: germline.
Comment: This variant, c.5761_5775del, results in the deletion of 5 amino acid(s) of the RTTN protein (p.Lys1921_Ile1925del), but otherwise preserves the integrity of the reading frame. The frequency data for this variant in the population databases is considered unreliable, as metrics indicate poor data quality at this position in the gnomAD database. This variant has not been reported in the literature in individuals affected with RTTN-related conditions. ClinVar contains an entry for this variant (Variation ID: 1351755). Experimental studies and prediction algorithms are not available or were not evaluated, and the functional significance of this variant is currently unknown. In summary, the available evidence is currently insufficient to determine the role of this variant in disease. Therefore, it has been classified as a Variant of Uncertain Significance.

Breakthrough Genomics
Classification: Uncertain significance. Review status: criteria provided, single submitter. Criteria: ACMG Guidelines, 2015. Collection method: not provided. Allele origin: germline. Inheritance: Autosomal recessive inheritance. Affected: yes.

NM_173630.4(RTTN):c.5761_5775del (p.Lys1921_Ile1925del)

Gene: RTTN (rotatin; minus strand). Cytogenetic location: 18q22.2.
Variant type: Deletion.
Coding change: c.5761_5775del on transcript NM_173630.4 (MANE Select); coding-DNA positions 5761 to 5775, 15 bases deleted (AAAGAGTTAAGCATT).
Protein change: p.Lys1921_Ile1925del.
Molecular consequence: inframe deletion.
Genome position (GRCh38, 1-based): chr18:70,028,772-70,028,786, AATGCTTAACTCTTT deleted on the plus strand (AAAGAGTTAAGCATT on the coding strand, the reverse complement: RTTN is on the minus strand); deleting any 15 consecutive bases within chr18:70,028,772-70,028,789 gives the same sequence; the c. name uses the placement nearest the transcript's 3' end. VCF-style (leftmost placement, unchanged base first): chr18-70028771-CAATGCTTAACTCTTT-C. GRCh37 (hg19) VCF-style: chr18-67696007-CAATGCTTAACTCTTT-C.
Other names: c.3025_3039del, p.Lys1009_Ile1013del (NM_001318520.2); c.5761_5775del (NM_173630.3).
Identifiers: ClinVar variation 1351755 (VCV001351755.9), dbSNP rs757580606, ClinGen allele CA8994844.